The following is an entry in ClinVar:

ClinVar aggregate classification (germline): Uncertain significance (1 of 4 stars; one submission).

Conditions:
Mosaic variegated aneuploidy syndrome 1 (MVA1). Also called: Warburton-Anyane-Yeboa syndrome. Identifiers: Orphanet 1052, MedGen C1850343, MONDO:0009759, OMIM 257300.

Submission:

Labcorp Genetics (formerly Invitae), Labcorp
Classification: Uncertain significance for Mosaic variegated aneuploidy syndrome 1. Last evaluated: 2018-04-29. Review status: criteria provided, single submitter. Criteria: Invitae Variant Classification Sherloc (09022015). Collection method: clinical testing. Allele origin: germline.
Comment: This variant has not been reported in the literature in individuals with BUB1B-related disease. In summary, the available evidence is currently insufficient to determine the role of this variant in disease. Therefore, it has been classified as a Variant of Uncertain Significance. Algorithms developed to predict the effect of missense changes on protein structure and function do not agree on the potential impact of this missense change (SIFT: "Tolerated"; PolyPhen-2: "Possibly Damaging"; Align-GVGD: "Class C0"). This variant is not present in population databases (ExAC no frequency). This sequence change replaces lysine with glutamic acid at codon 451 of the BUB1B protein (p.Lys451Glu). The lysine residue is weakly conserved and there is a small physicochemical difference between lysine and glutamic acid.

NM_001211.6(BUB1B):c.1351A>G (p.Lys451Glu)

Gene: BUB1B (BUB1 mitotic checkpoint serine/threonine kinase B; plus strand). Cytogenetic location: 15q15.1.
Variant type: single nucleotide variant.
Coding change: c.1351A>G on transcript NM_001211.6 (MANE Select); coding-DNA position 1351, A replaced by G.
Protein change: p.Lys451Glu; replaces lysine 451 with glutamic acid.
Molecular consequence: missense variant.
Genome position (GRCh38, 1-based): chr15:40,199,677, A>G. VCF-style: chr15-40199677-A-G. GRCh37 (hg19) VCF-style: chr15-40491878-A-G.
Other names: short protein forms K451E.
Identifiers: ClinVar variation 582101 (VCV000582101.10), dbSNP rs1566824564, ClinGen allele CA391688935.